The following is an entry in ClinVar:

NM_201384.3(PLEC):c.6577C>T (p.Leu2193=)

Gene: PLEC (plectin; minus strand). Cytogenetic location: 8q24.3.
Variant type: single nucleotide variant.
Coding change: c.6577C>T on transcript NM_201384.3 (MANE Select); coding-DNA position 6577, C replaced by T.
Protein change: p.Leu2193=; no amino-acid change (leucine 2193 retained).
Molecular consequence: synonymous variant.
Genome position (GRCh38, 1-based): chr8:143,923,352, G>A on the plus strand (C>T on the coding strand, the complement: PLEC is on the minus strand). VCF-style: chr8-143923352-G-A. GRCh37 (hg19) VCF-style: chr8-144997520-G-A.
Other names: p.Leu2179=; c.6658C>T, p.Leu2220= (NM_000445.5); c.6535C>T, p.Leu2179= (NM_201378.4); c.6511C>T, p.Leu2171= (NM_201379.3); c.6988C>T, p.Leu2330= (NM_201380.4); c.6481C>T, p.Leu2161= (NM_201381.3); c.6577C>T, p.Leu2193= (NM_201382.4); c.6589C>T, p.Leu2197= (NM_201383.3).
Identifiers: ClinVar variation 93075 (VCV000093075.28), dbSNP rs28610521, ClinGen allele CA146518.

ClinVar aggregate classification (germline): Benign/Likely benign. Review status: criteria provided, multiple submitters, no conflicts (2 of 4 stars). 9 submissions from 9 submitters: Benign (7); Likely benign (1). 1 of the submissions does not count toward it. Last evaluated 2026-02-02.

Conditions:
Junctional epidermolysis bullosa with pyloric atresia. Also called: APLASIA CUTIS CONGENITA WITH GASTROINTESTINAL ATRESIA; CARMI SYNDROME; EB-PA-ACC; Epidermolysis bullosa, junctional, with pyloric atresia and aplasia cutis congenita; Epidermolysis bullosa junctionalis with pyloric atresia; ITGB4-Related Epidermolysis Bullosa with Pyloric Atresia. Identifiers: Orphanet 79403, MedGen C5676875, MONDO:0009183, OMIM 226730.
Epidermolysis bullosa simplex, Ogna type (EBS5A). Also called: Pidermolysis bullosa simplex 5A, Ogna type; EPIDERMOLYSIS BULLOSA SIMPLEX 5A, OGNA TYPE. Identifiers: Orphanet 79401, MedGen C0432317, MONDO:0007555, OMIM 131950.
Autosomal recessive limb-girdle muscular dystrophy type 2Q (LGMDR17). Also called: MUSCULAR DYSTROPHY, LIMB-GIRDLE, AUTOSOMAL RECESSIVE 17. Identifiers: Orphanet 254361, MedGen C3150989, MONDO:0013390, OMIM 613723.
Epidermolysis bullosa simplex 5C, with pyloric atresia (EBS5C). Also called: PLEC-Related Epidermolysis Bullosa with Pyloric Atresia; Epidermolysis bullosa simplex with pyloric atresia; PLEC1-Related Epidermolysis Bullosa with Pyloric Atresia. Identifiers: Orphanet 158684, MedGen C2677349, MONDO:0012807, OMIM 612138.
Epidermolysis bullosa simplex with nail dystrophy (EBS5D). Identifiers: MedGen C4225309, MONDO:0014661, OMIM 616487.
Epidermolysis bullosa simplex 5B, with muscular dystrophy (EBS5B). Also called: EPIDERMOLYSIS BULLOSA SIMPLEX AND LIMB-GIRDLE MUSCULAR DYSTROPHY; Epidermolysis bullosa simplex with muscular dystrophy. Identifiers: Orphanet 257, MedGen C2931072, MONDO:0009181, OMIM 226670.

Allele frequency attached by ClinVar (database versions not stated): gnomAD exomes 0.00421; ExAC 0.00597; 1000 Genomes Project 0.01118; ESP Exome Variant Server 0.01182; 1000 Genomes Project 30x 0.01218; gnomAD 0.01285 and 0.01376; TOPMed 0.01403.

Submissions (9):

Labcorp Genetics (formerly Invitae), Labcorp
Classification: Benign for Autosomal recessive limb-girdle muscular dystrophy type 2Q; Epidermolysis bullosa simplex, Ogna type; Epidermolysis bullosa simplex with nail dystrophy; Epidermolysis bullosa simplex 5C, with pyloric atresia; Epidermolysis bullosa simplex 5B, with muscular dystrophy. Last evaluated: 2026-02-02. Review status: criteria provided, single submitter. Criteria: Invitae Variant Classification Sherloc (09022015). Collection method: clinical testing. Allele origin: germline.

Athena Diagnostics
Classification: Benign. Last evaluated: 2024-10-16. Review status: criteria provided, single submitter. Criteria: Athena Diagnostics Criteria. Collection method: clinical testing. Allele origin: unknown.

Fulgent Genetics
Classification: Likely benign for Epidermolysis bullosa simplex, Ogna type; Epidermolysis bullosa simplex 5B, with muscular dystrophy; Junctional epidermolysis bullosa with pyloric atresia; Epidermolysis bullosa simplex 5C, with pyloric atresia; Autosomal recessive limb-girdle muscular dystrophy type 2Q; Epidermolysis bullosa simplex with nail dystrophy. Last evaluated: 2021-08-30. Review status: criteria provided, single submitter. Criteria: ACMG Guidelines, 2015. Collection method: clinical testing. Allele origin: unknown.

Mayo Clinic Laboratories, Mayo Clinic
Classification: Benign. Last evaluated: 2020-11-27. Review status: criteria provided, single submitter. Criteria: ACMG Guidelines, 2015. Collection method: clinical testing. Allele origin: germline. Observed: 8 variant alleles.

GeneDx
Classification: Benign. Last evaluated: 2016-07-07. Review status: criteria provided, single submitter. Criteria: GeneDx Variant Classification (06012015). Collection method: clinical testing. Allele origin: germline. Affected: yes.
Comment: This variant is considered likely benign or benign based on one or more of the following criteria: it is a conservative change, it occurs at a poorly conserved position in the protein, it is predicted to be benign by multiple in silico algorithms, and/or has population frequency not consistent with disease.

Laboratory for Molecular Medicine, Mass General Brigham Personalized Medicine
Classification: Benign. Last evaluated: 2015-01-13. Review status: criteria provided, single submitter. Criteria: LMM Criteria. Collection method: clinical testing. Allele origin: germline. Observed: 1 variant allele.
Comment: p.Leu2330Leu in exon 31 of PLEC: This variant is not expected to have clinical s ignificance because it does not alter an amino acid residue and is not located w ithin the splice consensus sequence. It has been identified in 2.8% (119/4238) o f African American chromosomes from a broad population by the NHLBI Exome Sequen cing Project (dbSNP rs28610521).

Eurofins Ntd Llc (ga)
Classification: Benign. Last evaluated: 2013-10-04. Review status: criteria provided, single submitter. Criteria: EGL Classification Definitions 2015. Collection method: clinical testing. Allele origin: germline. Observed: 1 variant allele, 1 heterozygote.

Breakthrough Genomics
Classification: Benign. Review status: criteria provided, single submitter. Criteria: ACMG Guidelines, 2015. Collection method: not provided. Allele origin: germline. Inheritance: Autosomal recessive inheritance. Affected: yes.

Genetic Services Laboratory, University of Chicago
Classification: Likely benign for AllHighlyPenetrant. Review status: no assertion criteria provided. Collection method: clinical testing. Allele origin: germline. Inheritance: Autosomal recessive inheritance. Not counted in ClinVar's aggregate classification.
Comment: Likely benign based on allele frequency in 1000 Genomes Project or ESP global frequency and its presence in a patient with a rare or unrelated disease phenotype. NOT Sanger confirmed.